The following is an entry in ClinVar:

ClinVar aggregate classification (germline): Uncertain significance (1 of 4 stars; one submission).

Conditions:
MC4R-related disorder. Also called: MC4R-related condition.

Submission:

PreventionGenetics, part of Exact Sciences
Classification: Uncertain significance for MC4R-related condition. Last evaluated: 2025-12-22. Review status: criteria provided, single submitter. Criteria: ACMG Guidelines, 2015. Collection method: clinical testing. Allele origin: germline.
Comment: The MC4R c.880A>G variant is predicted to result in the amino acid substitution p.Asn294Asp. To our knowledge, this variant has not been reported in the literature. This variant is reported in 0.0062% of alleles in individuals of African descent in gnomAD. At this time, the clinical significance of this variant is uncertain due to the absence of conclusive functional and genetic evidence.

NM_005912.3(MC4R):c.880A>G (p.Asn294Asp)

Gene: MC4R (melanocortin 4 receptor; minus strand). Cytogenetic location: 18q21.32.
Variant type: single nucleotide variant.
Coding change: c.880A>G on transcript NM_005912.3 (MANE Select); coding-DNA position 880, A replaced by G.
Protein change: p.Asn294Asp; replaces asparagine 294 with aspartic acid.
Molecular consequence: missense variant.
Genome position (GRCh38, 1-based): chr18:60,371,470, T>C on the plus strand (A>G on the coding strand, the complement: MC4R is on the minus strand). VCF-style: chr18-60371470-T-C. GRCh37 (hg19) VCF-style: chr18-58038703-T-C.
Other names: short protein forms N294D.
Identifiers: ClinVar variation 4985039 (VCV004985039.1).